The following is an entry in ClinVar:

NM_002878.4(RAD51D):c.263+1521G>T

Genes: RAD51D (RAD51 paralog D; minus strand), RAD51L3-RFFL (RAD51L3-RFFL readthrough; minus strand). Cytogenetic location: 17q12.
Variant type: single nucleotide variant.
Coding change: c.263+1521G>T on transcript NM_002878.4 (MANE Select); 1521 bases into the intron after coding-DNA position 263, G replaced by T.
Molecular consequence: intron variant. On other transcripts: missense variant (1).
Genome position (GRCh38, 1-based): chr17:35,116,980, C>A on the plus strand (G>T on the coding strand, the complement: RAD51D is on the minus strand). VCF-style: chr17-35116980-C-A. GRCh37 (hg19) VCF-style: chr17-33443999-C-A.
Other names: c.202G>T, p.Ala68Ser (NM_001142571.2); c.144+2131G>T (NM_133629.3); short protein forms A68S.
Identifiers: ClinVar variation 5027817 (VCV005027817.1).
Genomic context (GRCh38, chr17:35,116,980, plus strand): 5'-CTCCATGCCCAAGTCCTGCCTTCTTCAGAGCATTCCTGACCCCACTCCACGATCTCCCTG[C>A]GGGGACCTGAGGCAGCTGCAGTCCTCCCAGGTTCCCACTTGAGTGCGCCCTCCATGTCTG-3'

ClinVar aggregate classification (germline): Uncertain significance (1 of 4 stars; one submission).

Conditions:
Hereditary cancer-predisposing syndrome. Also called: Neoplastic Syndromes, Hereditary; Tumor predisposition; Hereditary neoplastic syndrome; Hereditary Cancer Syndrome. Identifiers: Orphanet 140162, MedGen C0027672, MeSH D009386, MONDO:0015356.

gnomAD v4.1: 2 of 1,613,930 alleles (0.00012%); highest among the groups gnomAD compares: Non-Finnish European, 0.00017%; no homozygotes.

Submission:

Ambry Genetics
Classification: Uncertain significance for Hereditary cancer-predisposing syndrome. Last evaluated: 2026-07-02. Review status: criteria provided, single submitter. Criteria: Ambry Variant Classification Scheme 2023. Collection method: clinical testing. Allele origin: germline.
Comment: The p.A68S variant (also known as c.202G>T), located in coding exon 3 of the RAD51D gene, results from a G to T substitution at nucleotide position 202. The alanine at codon 68 is replaced by serine, an amino acid with similar properties. This amino acid position is conserved. In addition, this alteration is predicted to be tolerated by in silico analysis. Based on the available evidence, the clinical significance of this variant remains unclear.